The following is an entry in ClinVar:

NM_206937.2(LIG4):c.2019G>C (p.Gln673His)

Gene: LIG4 (DNA ligase 4; minus strand). Cytogenetic location: 13q33.3.
Variant type: single nucleotide variant.
Coding change: c.2019G>C on transcript NM_206937.2 (MANE Select); coding-DNA position 2019, G replaced by C.
Protein change: p.Gln673His; replaces glutamine 673 with histidine.
Molecular consequence: missense variant.
Genome position (GRCh38, 1-based): chr13:108,209,250, C>G on the plus strand (G>C on the coding strand, the complement: LIG4 is on the minus strand). VCF-style: chr13-108209250-C-G. GRCh37 (hg19) VCF-style: chr13-108861598-C-G.
Other names: c.2019G>C, p.Gln673His (NM_001098268.2, NM_001352598.2, NM_001352599.2 and 6 more transcripts); c.1818G>C, p.Gln606His (NM_001330595.2); c.2055G>C, p.Gln685His (NM_001352604.2); short protein forms Q606H, Q673H, Q685H.
Identifiers: ClinVar variation 3345793 (VCV003345793.1).

ClinVar aggregate classification (germline): Uncertain significance (0 of 4 stars; one submission).

Conditions:
LIG4-related disorder. Also called: LIG4-related condition; LIG4-related disorders. Identifiers: MedGen CN239380.

Submission:

PreventionGenetics, part of Exact Sciences
Classification: Uncertain significance for LIG4-related condition. Last evaluated: 2024-09-21. Review status: no assertion criteria provided. Collection method: clinical testing. Allele origin: germline.
Comment: The LIG4 c.2019G>C variant is predicted to result in the amino acid substitution p.Gln673His. To our knowledge, this variant has not been reported in the literature or in a large population database, indicating this variant is rare. At this time, the clinical significance of this variant is uncertain due to the absence of conclusive functional and genetic evidence.